The following is an entry in ClinVar:

NM_021076.4(NEFH):c.716G>A (p.Gly239Asp)

Gene: NEFH (neurofilament heavy chain; plus strand). Cytogenetic location: 22q12.2.
Variant type: single nucleotide variant.
Coding change: c.716G>A on transcript NM_021076.4 (MANE Select); coding-DNA position 716, G replaced by A.
Protein change: p.Gly239Asp; replaces glycine 239 with aspartic acid.
Molecular consequence: missense variant.
Genome position (GRCh38, 1-based): chr22:29,480,978, G>A. VCF-style: chr22-29480978-G-A. GRCh37 (hg19) VCF-style: chr22-29876967-G-A.
Other names: short protein forms G239D.
Identifiers: ClinVar variation 1757471 (VCV001757471.7), dbSNP rs2517969465, ClinGen allele CA411123783.

ClinVar aggregate classification (germline): Uncertain significance. Review status: criteria provided, multiple submitters, no conflicts (2 of 4 stars). 2 submissions from 2 submitters: Uncertain significance (2). Last evaluated 2022-08-28.

Conditions:
Inborn genetic diseases. Identifiers: MedGen C0950123, MeSH D030342.

Allele frequency attached by ClinVar (database versions not stated): gnomAD exomes below 0.00001.
gnomAD v4.1: 2 of 1,531,852 alleles (0.00013%); highest among the groups gnomAD compares: Non-Finnish European, 0.00017%; no homozygotes.

Submissions (2):

Labcorp Genetics (formerly Invitae), Labcorp
Classification: Uncertain significance. Last evaluated: 2022-08-28. Review status: criteria provided, single submitter. Criteria: Invitae Variant Classification Sherloc (09022015). Collection method: clinical testing. Allele origin: germline.
Comment: This sequence change replaces glycine, which is neutral and non-polar, with aspartic acid, which is acidic and polar, at codon 239 of the NEFH protein (p.Gly239Asp). This variant is not present in population databases (gnomAD no frequency). This variant has not been reported in the literature in individuals affected with NEFH-related conditions. Advanced modeling of protein sequence and biophysical properties (such as structural, functional, and spatial information, amino acid conservation, physicochemical variation, residue mobility, and thermodynamic stability) performed at Invitae indicates that this missense variant is not expected to disrupt NEFH protein function. In summary, the available evidence is currently insufficient to determine the role of this variant in disease. Therefore, it has been classified as a Variant of Uncertain Significance.

Ambry Genetics
Classification: Uncertain significance for Inborn genetic diseases. Last evaluated: 2020-05-15. Review status: criteria provided, single submitter. Criteria: Ambry Variant Classification Scheme 2023. Collection method: clinical testing. Allele origin: germline.
Comment: The p.G239D variant (also known as c.716G>A), located in coding exon 1 of the NEFH gene, results from a G to A substitution at nucleotide position 716. The glycine at codon 239 is replaced by aspartic acid, an amino acid with similar properties. This amino acid position is poorly conserved in available vertebrate species. In addition, this alteration is predicted to be tolerated by in silico analysis. Since supporting evidence is limited at this time, the clinical significance of this alteration remains unclear.